The following is an entry in ClinVar:

ClinVar aggregate classification (germline): Uncertain significance (1 of 4 stars; one submission).

Conditions:
Hereditary cancer-predisposing syndrome. Also called: Neoplastic Syndromes, Hereditary; Tumor predisposition; Hereditary neoplastic syndrome; Hereditary Cancer Syndrome. Identifiers: Orphanet 140162, MedGen C0027672, MeSH D009386, MONDO:0015356.

Submissions (2):

Ambry Genetics
Classification: Uncertain significance for Hereditary cancer-predisposing syndrome. Last evaluated: 2023-12-08. Review status: criteria provided, single submitter. Criteria: Ambry Variant Classification Scheme 2023. Collection method: clinical testing. Allele origin: germline.
Comment: The p.G519V variant (also known as c.1556G>T), located in coding exon 4 of the MET gene, results from a G to T substitution at nucleotide position 1556. The glycine at codon 519 is replaced by valine, an amino acid with dissimilar properties. This amino acid position is conserved. In addition, this alteration is predicted to be deleterious by in silico analysis. Since supporting evidence is limited at this time, the clinical significance of this alteration remains unclear.

Dr. Peter K. Rogan Lab, Western University
No classification provided (evidence only). Condition: Ovarian serous cystadenocarcinoma. Review status: no classification provided. Collection method: in vitro. Allele origin: not applicable. Functional consequence: retained intron. Not counted in ClinVar's aggregate classification.

NM_000245.4(MET):c.1556G>T (p.Gly519Val)

Gene: MET (MET proto-oncogene, receptor tyrosine kinase; plus strand). Cytogenetic location: 7q31.2.
Variant type: single nucleotide variant.
Coding change: c.1556G>T on transcript NM_000245.4 (MANE Select); coding-DNA position 1556, G replaced by T.
Protein change: p.Gly519Val; replaces glycine 519 with valine.
Molecular consequence: missense variant.
Genome position (GRCh38, 1-based): chr7:116,740,880, G>T. VCF-style: chr7-116740880-G-T. GRCh37 (hg19) VCF-style: chr7-116380934-G-T.
Other names: NC_000007.13:g.116380934G>T; c.1556G>T, p.Gly519Val (NM_001127500.3, NM_001324401.3); c.266G>T, p.Gly89Val (NM_001324402.2); short protein forms G519V, G89V.
Identifiers: ClinVar variation 3232911 (VCV003232911.2), dbSNP rs2116834434, ClinGen allele CA368975081.
Genomic context (GRCh38, chr7:116,740,880, plus strand): 5'-CTGGAAGCTCTTTCCACCCCTTCTCTTCACAGATCACGAAGATCCCATTGAATGGCTTGG[G>T]CTGCAGACATTTCCAGTCCTGCAGTCAATGCCTCTCTGCCCCACCCTTTGTTCAGTGTGG-3'
Protein context (NP_000236.2, residues 509-529): KITKIPLNGL[Gly519Val]CRHFQSCSQC